The following is an entry in ClinVar:

ClinVar aggregate classification (germline): Pathogenic. Review status: criteria provided, multiple submitters, no conflicts (2 of 4 stars). 4 submissions from 4 submitters: Pathogenic (2). 2 of the submissions do not count toward it. Last evaluated 2024-12-24.

Conditions:
Sinoatrial node dysfunction and deafness (SANDD). Identifiers: Orphanet 324321, MedGen C3554018, MONDO:0013960, OMIM 614896.

Submissions (4):

Labcorp Genetics (formerly Invitae), Labcorp
Classification: Pathogenic. Last evaluated: 2024-12-24. Review status: criteria provided, single submitter. Criteria: Invitae Variant Classification Sherloc (09022015). Collection method: clinical testing. Allele origin: germline.
Comment: This variant, c.1208_1209insGGG, results in the insertion of 1 amino acid(s) of the CACNA1D protein (p.Gly403dup), but otherwise preserves the integrity of the reading frame. This variant is present in population databases (rs751923238, gnomAD 0.006%). This variant has been observed in individual(s) with autosomal recessive sinoatrial node dysfunction and deafness (PMID: 21131953, 30498240). It has also been observed to segregate with disease in related individuals. This variant is also known as p.403_404insGly. ClinVar contains an entry for this variant (Variation ID: 39709). For these reasons, this variant has been classified as Pathogenic.

Neuberg Centre For Genomic Medicine, NCGM
Classification: Pathogenic for Sinoatrial node dysfunction and deafness. Review status: criteria provided, single submitter. Criteria: ACMG Guidelines, 2015. Collection method: clinical testing. Allele origin: germline. Inheritance: Autosomal recessive inheritance. Affected: yes.
Comment: The variant c.1208_1209insGGG (p.Gly403dup) in CACNA1D gene has been reported previously in patients affected with sinoatrial node dysfunction and deafness that segregated with disease in the family (Baig et al., 2011). This variant has been reported to the ClinVar database as Pathogenic. The p.Gly403dup variant is reported with the allele frequency (0.0007%) in the gnomAD Exomes and is novel (not in any individuals) in 1000 Genomes. This p.Gly403dup causes duplication of amino acid Glycine at postion 403. Alleles of single nucleotide polymorphisms (SNPs) from the CACNA1D locus have revealed the same c.1208_1209insGGG associated haplotype in three families, compatible with a founder mutation inherited from a common ancestor (Baig et al., 2011). For these reasons, this variant has been classified as Pathogenic.

OMIM
Classification: Pathogenic for SINOATRIAL NODE DYSFUNCTION AND DEAFNESS. Last evaluated: 2011-01-01. Review status: no assertion criteria provided. Collection method: literature only. Allele origin: germline. Not counted in ClinVar's aggregate classification.

University of Washington Center for Mendelian Genomics, University of Washington
Classification: Likely pathogenic for Sinoatrial node dysfunction and deafness. Review status: no assertion criteria provided. Collection method: research. Allele origin: inherited. Affected: yes. Not counted in ClinVar's aggregate classification.

Literature cited by the submitters: PubMed 21131953 (cited by Labcorp Genetics (formerly Invitae), Labcorp and OMIM); PubMed 30498240 (cited by Labcorp Genetics (formerly Invitae), Labcorp and University of Washington Center for Mendelian Genomics, University of Washington).

NM_000720.4(CACNA1D):c.1208_1209insGGG (p.Gly403dup)

Gene: CACNA1D (calcium voltage-gated channel subunit alpha1 D; plus strand). Cytogenetic location: 3p21.1.
Variant type: Insertion.
Coding change: c.1208_1209insGGG on transcript NM_000720.4 (MANE Plus Clinical); coding-DNA positions 1208 to 1209, GGG inserted.
Protein change: p.Gly403dup; duplicates glycine 403.
Molecular consequence: inframe insertion. On other transcripts: intron variant (2).
Genome position: GRCh38 VCF-style: chr3-53673802-T-TGGG. GRCh37 (hg19) VCF-style: chr3-53707829-T-TGGG.
Other names: c.1220+678_1220+679insGGG (NM_001128840.3, NM_001128839.3).
Identifiers: ClinVar variation 39709 (VCV000039709.6), dbSNP rs398122827, ClinGen allele CA130479.
Genomic context (GRCh38, chr3:53,673,802, plus strand): 5'-ATGGGTGTATTTTGTTAGTCTGATCATCCTTGGCTCATTTTTCGTCCTTAACCTGGTTCT[T>TGGG]GGTGTCCTTAGTGGGTAAGCAGTCGGATCCGTGTTGCACCTTCTCCTGCTGCCACGTGTG-3'